The following is an entry in ClinVar:

ClinVar aggregate classification (germline): Benign (1 of 4 stars; one submission).

Conditions:
Colorectal cancer, susceptibility to, 1. Also called: COLORECTAL ADENOMA AND CANCER, SUSCEPTIBILITY TO; COLORECTAL CANCER, SUSCEPTIBILITY TO, ON CHROMOSOME 9. Identifiers: MedGen C1837315, MONDO:0012132, OMIM 608812.

Submission:

Myriad Genetics, Inc.
Classification: Benign for Colorectal cancer, susceptibility to, 1. Last evaluated: 2026-04-27. Review status: criteria provided, single submitter. Criteria: Myriad Autosomal Dominant, Autosomal Recessive and X-Linked Classification Criteria (2023). Collection method: clinical testing. Allele origin: unknown.
Comment: This variant is considered benign. This variant is a silent/synonymous amino acid change and it is not expected to impact splicing.

NM_024642.5(GALNT12):c.1665G>C (p.Ser555=)

Gene: GALNT12 (polypeptide N-acetylgalactosaminyltransferase 12; plus strand). Cytogenetic location: 9q22.33.
Variant type: single nucleotide variant.
Coding change: c.1665G>C on transcript NM_024642.5 (MANE Select); coding-DNA position 1665, G replaced by C.
Protein change: p.Ser555=; no amino-acid change (serine 555 retained).
Molecular consequence: synonymous variant.
Genome position (GRCh38, 1-based): chr9:98,849,011, G>C. VCF-style: chr9-98849011-G-C. GRCh37 (hg19) VCF-style: chr9-101611293-G-C.
Identifiers: ClinVar variation 4875689 (VCV004875689.1).